The following is an entry in ClinVar:

ClinVar aggregate classification (germline): Uncertain significance (1 of 4 stars; one submission).

Submission:

Labcorp Genetics (formerly Invitae), Labcorp
Classification: Uncertain significance. Last evaluated: 2024-10-16. Review status: criteria provided, single submitter. Criteria: Invitae Variant Classification Sherloc (09022015). Collection method: clinical testing. Allele origin: germline.
Comment: This sequence change replaces serine, which is neutral and polar, with phenylalanine, which is neutral and non-polar, at codon 147 of the TRIP13 protein (p.Ser147Phe). This variant is not present in population databases (gnomAD no frequency). This variant has not been reported in the literature in individuals affected with TRIP13-related conditions. An algorithm developed to predict the effect of missense changes on protein structure and function (PolyPhen-2) suggests that this variant is likely to be tolerated. In summary, the available evidence is currently insufficient to determine the role of this variant in disease. Therefore, it has been classified as a Variant of Uncertain Significance.

NM_004237.4(TRIP13):c.440C>T (p.Ser147Phe)

Gene: TRIP13 (thyroid hormone receptor interactor 13; plus strand). Cytogenetic location: 5p15.33.
Variant type: single nucleotide variant.
Coding change: c.440C>T on transcript NM_004237.4 (MANE Select); coding-DNA position 440, C replaced by T.
Protein change: p.Ser147Phe; replaces serine 147 with phenylalanine.
Molecular consequence: missense variant.
Genome position (GRCh38, 1-based): chr5:900,545, C>T. VCF-style: chr5-900545-C-T. GRCh37 (hg19) VCF-style: chr5-900660-C-T.
Other names: c.440C>T, p.Ser147Phe (NM_001166260.2); short protein forms S147F.
Identifiers: ClinVar variation 3723022 (VCV003723022.2).
Genomic context (GRCh38, chr5:900,545, plus strand): 5'-CTGTCACAGCTGAATTCCATGGGCTTTGGGACAGCTTGGTATACGATGTGGAAGTCAAAT[C>T]CCATGTAAGTTGCTGTGCCTTTTCCCAGAATGCCCTGTTATTTGAAGAGGAACCATTACT-3'
Protein context (NP_004228.1, residues 137-157): DSLVYDVEVK[Ser147Phe]HLLDYVMTTL